The following is an entry in ClinVar:

NC_000002.11:g.(?_29541150)_(29541290_?)dup

Gene: ALK (ALK receptor tyrosine kinase; minus strand). Cytogenetic location: 2p23.2.
Variant type: Duplication.
Identifiers: ClinVar variation 3247356 (VCV003247356.1).

ClinVar aggregate classification (germline): Uncertain significance (1 of 4 stars; one submission).

Conditions:
Neuroblastoma, susceptibility to, 3. Also called: ALK-Related Neuroblastic Tumor Susceptibility. Identifiers: Orphanet 635, MedGen C2751681, MONDO:0013083, OMIM 613014.

Submission:

Labcorp Genetics (formerly Invitae), Labcorp
Classification: Uncertain significance for Neuroblastoma, susceptibility to, 3. Last evaluated: 2023-11-24. Review status: criteria provided, single submitter. Criteria: Invitae Variant Classification Sherloc (09022015). Collection method: clinical testing. Allele origin: unknown.
Comment: This variant results in a copy number gain of the genomic region encompassing exon(s) 8 of the ALK gene. While the exact position of this variant cannot be determined from the data, sub-genic copy number gains are generally in tandem (PMID: 25640679). This variant is predicted to be out-of-frame, and may result in an absent or disrupted protein product. However, the current clinical and genetic evidence is not sufficient to establish whether loss-of-function variants in ALK cause disease. This variant has not been reported in the literature in individuals affected with ALK-related conditions. Experimental studies and prediction algorithms are not available or were not evaluated, and the functional significance of this variant is currently unknown. In summary, the available evidence is currently insufficient to determine the role of this variant in disease. Therefore, it has been classified as a Variant of Uncertain Significance.

Literature cited by the submitters: PubMed 25640679.